The following is an entry in ClinVar:

ClinVar aggregate classification (germline): Uncertain significance (1 of 4 stars; one submission).

Conditions:
Hereditary cancer-predisposing syndrome. Also called: Neoplastic Syndromes, Hereditary; Hereditary Cancer Syndrome; Hereditary neoplastic syndrome; Tumor predisposition. Identifiers: Orphanet 140162, MedGen C0027672, MeSH D009386, MONDO:0015356.

Submission:

Ambry Genetics
Classification: Uncertain significance for Hereditary cancer-predisposing syndrome. Last evaluated: 2023-04-19. Review status: criteria provided, single submitter. Criteria: Ambry Variant Classification Scheme 2023. Collection method: clinical testing. Allele origin: germline.
Comment: The p.E991G variant (also known as c.2972A>G), located in coding exon 18 of the RET gene, results from an A to G substitution at nucleotide position 2972. The glutamic acid at codon 991 is replaced by glycine, an amino acid with similar properties. This amino acid position is conserved. In addition, this alteration is predicted to be deleterious by in silico analysis. Since supporting evidence is limited at this time, the clinical significance of this alteration remains unclear.

NM_020975.6(RET):c.2972A>G (p.Glu991Gly)

Gene: RET (ret proto-oncogene; plus strand). Cytogenetic location: 10q11.21.
Variant type: single nucleotide variant.
Coding change: c.2972A>G on transcript NM_020975.6 (MANE Select); coding-DNA position 2972, A replaced by G.
Protein change: p.Glu991Gly; replaces glutamic acid 991 with glycine.
Molecular consequence: missense variant.
Genome position (GRCh38, 1-based): chr10:43,124,915, A>G. VCF-style: chr10-43124915-A-G. GRCh37 (hg19) VCF-style: chr10-43620363-A-G.
Other names: c.1523A>G, p.Glu508Gly (NM_001406792.1, NM_001406793.1, NM_001406794.1); c.2972A>G, p.Glu991Gly (NM_020629.2, NM_020630.7, NM_000323.2 and 4 more transcripts); c.2210A>G, p.Glu737Gly (NM_001355216.2); c.2843A>G, p.Glu948Gly (NM_001406761.1, NM_001406762.1, NM_001406764.1); c.2837A>G, p.Glu946Gly (NM_001406763.1, NM_001406765.1); c.2684A>G, p.Glu895Gly (NM_001406766.1, NM_001406767.1, NM_001406770.1); c.2708A>G, p.Glu903Gly (NM_001406768.1); c.2576A>G, p.Glu859Gly (NM_001406769.1, NM_001406772.1); and 10 more; short protein forms E903G, E991G, E649G, E652G, E692G, E816G, E508G, E737G.
Identifiers: ClinVar variation 2562601 (VCV002562601.2), dbSNP rs2538626487, ClinGen allele CA376558099.